The following is an entry in ClinVar:

ClinVar aggregate classification (germline): Conflicting classifications of pathogenicity. Review status: criteria provided, conflicting classifications (1 of 4 stars). 6 submissions from 5 submitters: Uncertain significance (2); Benign (2); Likely benign (1). 1 of the submissions does not count toward it. Last evaluated 2026-09-01.

Conditions:
Congenital multicore myopathy with external ophthalmoplegia (CMYO1B). Also called: MULTICORE MYOPATHY; Congenital myopathy 1B, autosomal recessive; Minicore myopathy; MULTIMINICORE DISEASE WITH EXTERNAL OPHTHALMOPLEGIA; Minicore myopathy with external ophthalmoplegia. Identifiers: Orphanet 598, Orphanet 98905, MedGen C1850674, MONDO:0009712, OMIM 255320, HP:0003789.
Malignant hyperthermia, susceptibility to, 1 (MHS1). Also called: Malignant hyperthermia suceptibility 1; RYR1-Related Malignant Hyperthermia Susceptibility; Anesthesia related hyperthermia; Malignant hyperpyrexia; Fulminating hyperpyrexia; Pharmacogenic myopathy. Identifiers: Orphanet 423, MedGen C2930980, MONDO:0007783, OMIM 145600.
RYR1-related disorder. Also called: RYR1-related disorders; RYR1-related condition. Identifiers: MedGen CN239331.

Allele frequency attached by ClinVar (database versions not stated): gnomAD exomes 0.00012 and 0.00025; gnomAD 0.00014; ExAC 0.00015; TOPMed 0.00015.
gnomAD v4.1: 213 of 1,614,184 alleles (0.013%); highest among the groups gnomAD compares: Non-Finnish European, 0.0022%; no homozygotes.

Submissions (6):

CeGaT Center for Human Genetics Tuebingen
Classification: Likely benign. Last evaluated: 2026-09-01. Review status: criteria provided, single submitter. Criteria: CeGaT Center For Human Genetics Tuebingen Variant Classification Criteria Version 2. Collection method: clinical testing. Allele origin: germline. Affected: yes. Observed: 9 variant alleles.
Comment: RYR1: BP4, BP7

Labcorp Genetics (formerly Invitae), Labcorp
Classification: Benign for RYR1-related disorder. Last evaluated: 2026-01-16. Review status: criteria provided, single submitter. Criteria: Invitae Variant Classification Sherloc (09022015). Collection method: clinical testing. Allele origin: germline.

Color Diagnostics, LLC DBA Color Health
Classification: Benign for Malignant hyperthermia, susceptibility to, 1. Last evaluated: 2022-11-06. Review status: criteria provided, single submitter. Criteria: ACMG Guidelines, 2015. Collection method: clinical testing. Allele origin: germline.

Illumina Laboratory Services, Illumina
Classification: Uncertain significance for Congenital multicore myopathy with external ophthalmoplegia. Last evaluated: 2018-01-12. Review status: criteria provided, single submitter. Criteria: ICSL Variant Classification Criteria 13 December 2019. Collection method: clinical testing. Allele origin: germline.

Illumina Laboratory Services, Illumina
Classification: Uncertain significance for Malignant hyperthermia, susceptibility to, 1. Last evaluated: 2018-01-12. Review status: criteria provided, single submitter. Criteria: ICSL Variant Classification Criteria 13 December 2019. Collection method: clinical testing. Allele origin: germline.

PreventionGenetics, part of Exact Sciences
Classification: Likely benign for RYR1-related condition. Last evaluated: 2020-10-28. Review status: no assertion criteria provided. Collection method: clinical testing. Allele origin: germline. Not counted in ClinVar's aggregate classification.
Comment: This variant is classified as likely benign based on ACMG/AMP sequence variant interpretation guidelines (Richards et al. 2015 PMID: 25741868, with internal and published modifications).

NM_000540.3(RYR1):c.8442G>A (p.Lys2814=)

Genes: RYR1 (ryanodine receptor 1; plus strand), LOC126862902 (BRD4-independent group 4 enhancer GRCh37_chr19:38995830-38997029; plus strand). Cytogenetic location: 19q13.2.
Variant type: single nucleotide variant.
Coding change: c.8442G>A on transcript NM_000540.3 (MANE Select); coding-DNA position 8442, G replaced by A.
Protein change: p.Lys2814=; no amino-acid change (lysine 2814 retained).
Molecular consequence: synonymous variant.
Genome position (GRCh38, 1-based): chr19:38,505,847, G>A. VCF-style: chr19-38505847-G-A. GRCh37 (hg19) VCF-style: chr19-38996487-G-A.
Other names: c.8442G>A, p.Lys2814= (NM_001042723.2).
Identifiers: ClinVar variation 697345 (VCV000697345.51), dbSNP rs771306571, ClinGen allele CA072044.